The following is an entry in ClinVar:

ClinVar aggregate classification (germline): Uncertain significance (1 of 4 stars; one submission).

Submission:

CeGaT Center for Human Genetics Tuebingen
Classification: Uncertain significance. Last evaluated: 2025-12-01. Review status: criteria provided, single submitter. Criteria: CeGaT Center For Human Genetics Tuebingen Variant Classification Criteria Version 2. Collection method: clinical testing. Allele origin: germline. Affected: yes. Observed: 1 variant allele.
Comment: COL2A1: PM2, BP4

NM_001844.5(COL2A1):c.1366-5T>C

Gene: COL2A1 (collagen type II alpha 1 chain; minus strand). Cytogenetic location: 12q13.11.
Variant type: single nucleotide variant.
Coding change: c.1366-5T>C on transcript NM_001844.5 (MANE Select); 5 bases into the intron before coding-DNA position 1366, T replaced by C.
Molecular consequence: intron variant.
Genome position (GRCh38, 1-based): chr12:47,986,893, A>G on the plus strand (T>C on the coding strand, the complement: COL2A1 is on the minus strand). VCF-style: chr12-47986893-A-G. GRCh37 (hg19) VCF-style: chr12-48380676-A-G.
Other names: c.1159-5T>C (NM_033150.3).
Identifiers: ClinVar variation 4682028 (VCV004682028.5).
Genomic context (GRCh38, chr12:47,986,893, plus strand): 5'-ACAGGTTCTCCCTTGGGGCCTTGTTCACCTTTGAAGCCAGCAATACCAGGTTCACCCTTG[A>G]AAAGAGAGGCAGGTCCTCACACCAGATTCTCTCCAGGGAGCCTGCCCCTCCCCAGAACCC-3'